The following is an entry in ClinVar:

NM_000506.5(F2):c.558T>C (p.Cys186=)

Gene: F2 (coagulation factor II, thrombin; plus strand). Cytogenetic location: 11p11.2.
Variant type: single nucleotide variant.
Coding change: c.558T>C on transcript NM_000506.5 (MANE Select); coding-DNA position 558, T replaced by C.
Protein change: p.Cys186=; no amino-acid change (cysteine 186 retained).
Molecular consequence: synonymous variant.
Genome position (GRCh38, 1-based): chr11:46,723,517, T>C. VCF-style: chr11-46723517-T-C. GRCh37 (hg19) VCF-style: chr11-46745067-T-C.
Identifiers: ClinVar variation 2883892 (VCV002883892.2), dbSNP rs1230462022, ClinGen allele CA473871079.
Genomic context (GRCh38, chr11:46,723,517, plus strand): 5'-ACCCTGGTGCTACACTACAGACCCCACCGTGAGGAGGCAGGAATGCAGCATCCCTGTCTG[T>C]GGTAAGCTGGGGGCAGTGGGGCGGCCCATGGCCAAGGCCCGGGGGCTTCATGGGGCCTGG-3'
Protein context (NP_000497.1, residues 176-196): VRRQECSIPV[Cys186=]GQDQVTVAMT

ClinVar aggregate classification (germline): Uncertain significance (1 of 4 stars; one submission).

Conditions:
Congenital prothrombin deficiency. Also called: Factor II deficiency; HYPOPROTHROMBINEMIA; Hereditary factor II deficiency disease; Inherited hypoprothrombinemia; Congenital factor II deficiency; Inherited prothrombin deficiency. Identifiers: Orphanet 325, MedGen C0272317, MONDO:0013361, OMIM 613679.

Allele frequency attached by ClinVar (database versions not stated): gnomAD exomes below 0.00001; TOPMed 0.00001.
gnomAD v4.1: 4 of 1,611,046 alleles (0.00025%); highest among the groups gnomAD compares: Non-Finnish European, 0.00034%; no homozygotes.

Submission:

Labcorp Genetics (formerly Invitae), Labcorp
Classification: Uncertain significance for Congenital prothrombin deficiency. Last evaluated: 2023-09-19. Review status: criteria provided, single submitter. Criteria: Invitae Variant Classification Sherloc (09022015). Collection method: clinical testing. Allele origin: germline.
Comment: This variant has not been reported in the literature in individuals affected with F2-related conditions. This variant is not present in population databases (gnomAD no frequency). This sequence change affects codon 186 of the F2 mRNA. It is a 'silent' change, meaning that it does not change the encoded amino acid sequence of the F2 protein. It affects a nucleotide within the consensus splice site. Algorithms developed to predict the effect of sequence changes on RNA splicing suggest that this variant is not likely to affect RNA splicing. In summary, the available evidence is currently insufficient to determine the role of this variant in disease. Therefore, it has been classified as a Variant of Uncertain Significance.